The following is an entry in ClinVar:

NM_014874.4(MFN2):c.1161-230C>T

Gene: MFN2 (mitofusin 2; plus strand). Cytogenetic location: 1p36.22.
Variant type: single nucleotide variant.
Coding change: c.1161-230C>T on transcript NM_014874.4 (MANE Select); 230 bases into the intron before coding-DNA position 1161, C replaced by T.
Molecular consequence: intron variant.
Genome position (GRCh38, 1-based): chr1:12,003,762, C>T. VCF-style: chr1-12003762-C-T. GRCh37 (hg19) VCF-style: chr1-12063819-C-T.
Other names: c.1161-230C>T (NM_001127660.2).
Identifiers: ClinVar variation 4681807 (VCV004681807.5).

ClinVar aggregate classification (germline): Uncertain significance (1 of 4 stars; one submission).

Submission:

CeGaT Center for Human Genetics Tuebingen
Classification: Uncertain significance. Last evaluated: 2025-11-01. Review status: criteria provided, single submitter. Criteria: CeGaT Center For Human Genetics Tuebingen Variant Classification Criteria Version 2. Collection method: clinical testing. Allele origin: germline. Affected: yes. Observed: 1 variant allele.
Comment: MFN2: PM2, BP4